The following is an entry in ClinVar:

NM_001170629.2(CHD8):c.7256C>A (p.Ala2419Asp)

Gene: CHD8 (chromodomain helicase DNA binding protein 8; minus strand). Cytogenetic location: 14q11.2.
Variant type: single nucleotide variant.
Coding change: c.7256C>A on transcript NM_001170629.2 (MANE Select); coding-DNA position 7256, C replaced by A.
Protein change: p.Ala2419Asp; replaces alanine 2419 with aspartic acid.
Molecular consequence: missense variant.
Genome position (GRCh38, 1-based): chr14:21,386,103, G>T on the plus strand (C>A on the coding strand, the complement: CHD8 is on the minus strand). VCF-style: chr14-21386103-G-T. GRCh37 (hg19) VCF-style: chr14-21854262-G-T.
Other names: c.6419C>A, p.Ala2140Asp (NM_020920.4); c.7256C>A (NM_001170629.1); short protein forms A2140D, A2419D.
Identifiers: ClinVar variation 2503966 (VCV002503966.1), dbSNP rs2501814145, ClinGen allele CA388875558.

ClinVar aggregate classification (germline): Uncertain significance (1 of 4 stars; one submission).

Submission:

Women's Health and Genetics/Laboratory Corporation of America, LabCorp
Classification: Uncertain significance. Last evaluated: 2023-04-18. Review status: criteria provided, single submitter. Criteria: LabCorp Variant Classification Summary - May 2015. Collection method: clinical testing. Allele origin: germline.
Comment: Variant summary: CHD8 c.7256C>A (p.Ala2419Asp) results in a non-conservative amino acid change located in the BRK domain (IPR006576) of the encoded protein sequence. Four of five in-silico tools predict a benign effect of the variant on protein function. The variant was absent in 167150 control chromosomes (gnomAD). The available data on variant occurrences in the general population are insufficient to allow any conclusion about variant significance. To our knowledge, no occurrence of c.7256C>A in individuals affected with CHD8-Related Disorders and no experimental evidence demonstrating its impact on protein function have been reported. No clinical diagnostic laboratories have submitted clinical-significance assessments for this variant to ClinVar after 2014. Based on the evidence outlined above, the variant was classified as uncertain significance.